The following is an entry in ClinVar:

NM_199420.4(POLQ):c.3157G>T (p.Asp1053Tyr)

Gene: POLQ (DNA polymerase theta; minus strand). Cytogenetic location: 3q13.33.
Variant type: single nucleotide variant.
Coding change: c.3157G>T on transcript NM_199420.4 (MANE Select); coding-DNA position 3157, G replaced by T.
Protein change: p.Asp1053Tyr; replaces aspartic acid 1053 with tyrosine.
Molecular consequence: missense variant.
Genome position (GRCh38, 1-based): chr3:121,489,774, C>A on the plus strand (G>T on the coding strand, the complement: POLQ is on the minus strand). VCF-style: chr3-121489774-C-A. GRCh37 (hg19) VCF-style: chr3-121208621-C-A.
Other names: short protein forms D1053Y.
Identifiers: ClinVar variation 1728246 (VCV001728246.2), dbSNP rs1285347673, ClinGen allele CA354101504.
Genomic context (GRCh38, chr3:121,489,774, plus strand): 5'-ACAGAGTCTGTCCTTGTAAATGGATTCTACACGCTCCAGAGTCTTTCAGGGGGCTGCTGT[C>A]CCTAGATCGCTTTAGATGCTTTCTACGTTTCCAAGATCGAAAACTTCTGCTCATCTTTTC-3'
Protein context (NP_955452.3, residues 1043-1063): KRRKHLKRSR[Asp1053Tyr]SSPLKDSGAC

ClinVar aggregate classification (germline): Uncertain significance (1 of 4 stars; one submission).

Allele frequency attached by ClinVar (database versions not stated): TOPMed 0.00001; gnomAD 0.00002.

Submission:

Ambry Genetics
Classification: Uncertain significance. Last evaluated: 2023-12-04. Review status: criteria provided, single submitter. Criteria: Ambry Variant Classification Scheme 2023. Collection method: clinical testing. Allele origin: germline.
Comment: The p.D1053Y variant (also known as c.3157G>T), located in coding exon 16 of the POLQ gene, results from a G to T substitution at nucleotide position 3157. The aspartic acid at codon 1053 is replaced by tyrosine, an amino acid with highly dissimilar properties. This amino acid position is conserved. In addition, this alteration is predicted to be tolerated by in silico analysis. Since supporting evidence is limited at this time, the clinical significance of this alteration remains unclear.